The following is an entry in ClinVar:

NM_001232.4(CASQ2):c.22A>G (p.Ile8Val)

Gene: CASQ2 (calsequestrin 2; minus strand). Cytogenetic location: 1p13.1.
Variant type: single nucleotide variant.
Coding change: c.22A>G on transcript NM_001232.4 (MANE Select); coding-DNA position 22, A replaced by G.
Protein change: p.Ile8Val; replaces isoleucine 8 with valine.
Molecular consequence: missense variant.
Genome position (GRCh38, 1-based): chr1:115,768,520, T>C on the plus strand (A>G on the coding strand, the complement: CASQ2 is on the minus strand). VCF-style: chr1-115768520-T-C. GRCh37 (hg19) VCF-style: chr1-116311141-T-C.
Other names: short protein forms I8V.
Identifiers: ClinVar variation 1418254 (VCV001418254.6), dbSNP rs1649206559, ClinGen allele CA341767432.

ClinVar aggregate classification (germline): Uncertain significance (1 of 4 stars; one submission).

Conditions:
Catecholaminergic polymorphic ventricular tachycardia 1. Also called: RYR2-Related Catecholaminergic Polymorphic Ventricular Tachycardia; VENTRICULAR TACHYCARDIA, STRESS-INDUCED POLYMORPHIC 1; VENTRICULAR TACHYCARDIA, CATECHOLAMINERGIC POLYMORPHIC, 1, WITH OR WITHOUT ATRIAL DYSFUNCTION AND/OR DILATED CARDIOMYOPATHY. Identifiers: Orphanet 3286, MedGen C1631597, MONDO:0011484, OMIM 604772.

Allele frequency attached by ClinVar (database versions not stated): gnomAD exomes below 0.00001; TOPMed 0.00002.
gnomAD v4.1: 2 of 1,612,628 alleles (0.00012%); highest among the groups gnomAD compares: African/African-American, 0.0013%; no homozygotes.

Submission:

Labcorp Genetics (formerly Invitae), Labcorp
Classification: Uncertain significance for Catecholaminergic polymorphic ventricular tachycardia 1. Last evaluated: 2024-07-23. Review status: criteria provided, single submitter. Criteria: Invitae Variant Classification Sherloc (09022015). Collection method: clinical testing. Allele origin: germline.
Comment: This sequence change replaces isoleucine, which is neutral and non-polar, with valine, which is neutral and non-polar, at codon 8 of the CASQ2 protein (p.Ile8Val). This variant is not present in population databases (gnomAD no frequency). This variant has not been reported in the literature in individuals affected with CASQ2-related conditions. ClinVar contains an entry for this variant (Variation ID: 1418254). An algorithm developed to predict the effect of missense changes on protein structure and function outputs the following: PolyPhen-2: "Benign". The valine amino acid residue is found in multiple mammalian species, which suggests that this missense change does not adversely affect protein function. In summary, the available evidence is currently insufficient to determine the role of this variant in disease. Therefore, it has been classified as a Variant of Uncertain Significance.